The following is an entry in ClinVar:

ClinVar aggregate classification (germline): Benign. Review status: criteria provided, multiple submitters, no conflicts (2 of 4 stars). 5 submissions from 5 submitters: Benign (5). Last evaluated 2026-07-01.

Conditions:
Immunodeficiency 25. Also called: Immunodeficiency due to defect in cd3-zeta, somatic. Identifiers: MedGen C1857798, MONDO:0012426, OMIM 610163.

Allele frequency attached by ClinVar (database versions not stated): 1000 Genomes Project 30x 0.00219; 1000 Genomes Project 0.00240; TOPMed 0.00458; gnomAD 0.00577 and 0.00589; ESP Exome Variant Server 0.00584; gnomAD exomes 0.00699 and 0.00754; ExAC 0.00757.
gnomAD v4.1: 11,058 of 1,607,538 alleles (0.69%); highest among the groups gnomAD compares: Middle Eastern, 1.4%; 70 homozygotes.

Submissions (5):

CeGaT Center for Human Genetics Tuebingen
Classification: Benign. Last evaluated: 2026-07-01. Review status: criteria provided, single submitter. Criteria: CeGaT Center For Human Genetics Tuebingen Variant Classification Criteria Version 2. Collection method: clinical testing. Allele origin: germline. Affected: yes. Observed: 14 variant alleles.
Comment: CD247: BP4, BS1, BS2

Labcorp Genetics (formerly Invitae), Labcorp
Classification: Benign for Immunodeficiency 25. Last evaluated: 2026-02-04. Review status: criteria provided, single submitter. Criteria: Invitae Variant Classification Sherloc (09022015). Collection method: clinical testing. Allele origin: germline.

Women's Health and Genetics/Laboratory Corporation of America, LabCorp
Classification: Benign. Last evaluated: 2026-01-22. Review status: criteria provided, single submitter. Criteria: LabCorp Variant Classification Summary - May 2015. Collection method: clinical testing. Allele origin: germline.

GeneDx
Classification: Benign. Last evaluated: 2015-03-03. Review status: criteria provided, single submitter. Criteria: GeneDx Variant Classification Process June 2021. Collection method: clinical testing. Allele origin: germline. Affected: yes.

Breakthrough Genomics
Classification: Benign. Review status: criteria provided, single submitter. Criteria: ACMG Guidelines, 2015. Collection method: not provided. Allele origin: germline. Inheritance: Autosomal recessive inheritance. Affected: yes.

NM_198053.3(CD247):c.300+8T>A

Gene: CD247 (CD247 molecule; minus strand). Cytogenetic location: 1q24.2.
Variant type: single nucleotide variant.
Coding change: c.300+8T>A on transcript NM_198053.3 (MANE Select); 8 bases into the intron after coding-DNA position 300, T replaced by A.
Molecular consequence: intron variant.
Genome position (GRCh38, 1-based): chr1:167,438,562, A>T on the plus strand (T>A on the coding strand, the complement: CD247 is on the minus strand). VCF-style: chr1-167438562-A-T. GRCh37 (hg19) VCF-style: chr1-167407799-A-T.
Other names: c.300+8T>A (NM_000734.4); c.393+8T>A (NM_001378516.1, NM_001378515.1).
Identifiers: ClinVar variation 466356 (VCV000466356.37), dbSNP rs56199250, ClinGen allele CA1226016.